The following is an entry in ClinVar:

ClinVar aggregate classification (germline): Uncertain significance (1 of 4 stars; one submission).

Conditions:
Hereditary cancer-predisposing syndrome. Also called: Neoplastic Syndromes, Hereditary; Tumor predisposition; Hereditary Cancer Syndrome; Hereditary neoplastic syndrome. Identifiers: Orphanet 140162, MedGen C0027672, MeSH D009386, MONDO:0015356.

Submission:

Ambry Genetics
Classification: Uncertain significance for Hereditary cancer-predisposing syndrome. Last evaluated: 2026-06-09. Review status: criteria provided, single submitter. Criteria: Ambry Variant Classification Scheme 2023. Collection method: clinical testing. Allele origin: germline.
Comment: The p.A18E variant (also known as c.53C>A), located in coding exon 1 of the EPCAM gene, results from a C to A substitution at nucleotide position 53. The alanine at codon 18 is replaced by glutamic acid, an amino acid with dissimilar properties. This amino acid position is conserved. In addition, the in silico prediction for this alteration is inconclusive. Based on the available evidence, the clinical significance of this variant remains unclear.

NM_002354.3(EPCAM):c.53C>A (p.Ala18Glu)

Gene: EPCAM (epithelial cell adhesion molecule; plus strand). Cytogenetic location: 2p21.
Variant type: single nucleotide variant.
Coding change: c.53C>A on transcript NM_002354.3 (MANE Select); coding-DNA position 53, C replaced by A.
Protein change: p.Ala18Glu; replaces alanine 18 with glutamic acid.
Molecular consequence: missense variant.
Genome position (GRCh38, 1-based): chr2:47,369,558, C>A. VCF-style: chr2-47369558-C-A. GRCh37 (hg19) VCF-style: chr2-47596697-C-A.
Other names: short protein forms A18E.
Identifiers: ClinVar variation 4870529 (VCV004870529.1).
Genomic context (GRCh38, chr2:47,369,558, plus strand): 5'-CGCGCAGCATGGCGCCCCCGCAGGTCCTCGCGTTCGGGCTTCTGCTTGCCGCGGCGACGG[C>A]GACTTTTGCCGCAGCTCAGGAAGGTGAGGCGCGGATTGGAGCAGAGTTGTGGAGCTGGGC-3'
Protein context (NP_002345.2, residues 8-28): AFGLLLAAAT[Ala18Glu]TFAAAQEECV